The following is an entry in ClinVar:

ClinVar aggregate classification (germline): Likely benign. Review status: criteria provided, multiple submitters, no conflicts (2 of 4 stars). 2 submissions from 2 submitters: Likely benign (2). Last evaluated 2018-01-13.

Conditions:
Niemann-Pick disease, type C1. Also called: NEUROVISCERAL STORAGE DISEASE WITH VERTICAL SUPRANUCLEAR OPHTHALMOPLEGIA; NIEMANN-PICK DISEASE WITH CHOLESTEROL ESTERIFICATION BLOCK; NIEMANN-PICK DISEASE WITHOUT SPHINGOMYELINASE DEFICIENCY; NIEMANN-PICK DISEASE, CHRONIC NEURONOPATHIC FORM; NIEMANN-PICK DISEASE, VARIANT TYPE C1. Identifiers: Orphanet 646, MedGen C3179455, MONDO:0009757, OMIM 257220.

Allele frequency attached by ClinVar (database versions not stated): gnomAD 0.00123 and 0.00125; TOPMed 0.00195; 1000 Genomes Project 30x 0.00297; 1000 Genomes Project 0.00300.
gnomAD v4.1: 1,207 of 1,614,066 alleles (0.075%); highest among the groups gnomAD compares: Admixed American, 1.7%; 13 homozygotes.

Submissions (2):

Illumina Laboratory Services, Illumina
Classification: Likely benign for Niemann-Pick disease type C1. Last evaluated: 2018-01-13. Review status: criteria provided, single submitter. Criteria: ICSL Variant Classification Criteria 13 December 2019. Collection method: clinical testing. Allele origin: germline.
Comment: This variant was observed in the ICSL laboratory as part of a predisposition screen in an ostensibly healthy population. It had not been previously curated by ICSL or reported in the Human Gene Mutation Database (HGMD: prior to June 1st, 2018), and was therefore a candidate for classification through an automated scoring system. Utilizing variant allele frequency, disease prevalence and penetrance estimates, and inheritance mode, an automated score was calculated to assess if this variant is too frequent to cause the disease. Based on the score and internal cut-off values, a variant classified as likely benign is not then subjected to further curation. The score for this variant resulted in a classification of likely benign for this disease.

Breakthrough Genomics
Classification: Likely benign. Review status: criteria provided, single submitter. Criteria: ACMG Guidelines, 2015. Collection method: not provided. Allele origin: germline. Inheritance: Autosomal recessive inheritance. Affected: yes.

NM_000271.5(NPC1):c.*68G>A

Gene: NPC1 (NPC intracellular cholesterol transporter 1; minus strand). Cytogenetic location: 18q11.2.
Variant type: single nucleotide variant.
Coding change: c.*68G>A on transcript NM_000271.5 (MANE Select); 68 bases downstream of the stop codon, G replaced by A.
Molecular consequence: 3 prime UTR variant.
Genome position (GRCh38, 1-based): chr18:23,532,134, C>T on the plus strand (G>A on the coding strand, the complement: NPC1 is on the minus strand). VCF-style: chr18-23532134-C-T. GRCh37 (hg19) VCF-style: chr18-21112098-C-T.
Identifiers: ClinVar variation 891856 (VCV000891856.5), dbSNP rs139720390, ClinGen allele CA297074962.